The following is an entry in ClinVar:

NM_002187.3(IL12B):c.89-3C>T

Gene: IL12B (interleukin 12B; minus strand). Cytogenetic location: 5q33.3.
Variant type: single nucleotide variant.
Coding change: c.89-3C>T on transcript NM_002187.3 (MANE Select); 3 bases into the intron before coding-DNA position 89, C replaced by T.
Molecular consequence: intron variant.
Genome position (GRCh38, 1-based): chr5:159,323,332, G>A on the plus strand (C>T on the coding strand, the complement: IL12B is on the minus strand). VCF-style: chr5-159323332-G-A. GRCh37 (hg19) VCF-style: chr5-158750340-G-A.
Identifiers: ClinVar variation 2415842 (VCV002415842.6), dbSNP rs1325111312, ClinGen allele CA806392440.
Genomic context (GRCh38, chr5:159,323,332, plus strand): 5'-GTGAGGACCACCATTTCTCCAGGGGCATCCGGATACCAATCCAATTCTACGACATAAACT[G>A]GAATGCACATAAAGTGGAGAACCAGGCTGTAAGCTCCAGGAACTCTGGGACTGTGTTTTA-3'

ClinVar aggregate classification (germline): Uncertain significance (1 of 4 stars; one submission).

Conditions:
Mendelian susceptibility to mycobacterial diseases due to complete IL12B deficiency. Also called: IL12B DEFICIENCY; Immunodeficiency 29. Identifiers: Orphanet 319558, MedGen C4013948, MONDO:0013954, OMIM 614890.

Allele frequency attached by ClinVar (database versions not stated): TOPMed 0.00001.

Submission:

Labcorp Genetics (formerly Invitae), Labcorp
Classification: Uncertain significance for Mendelian susceptibility to mycobacterial diseases due to complete IL12B deficiency. Last evaluated: 2025-03-31. Review status: criteria provided, single submitter. Criteria: Invitae Variant Classification Sherloc (09022015). Collection method: clinical testing. Allele origin: germline.
Comment: This sequence change falls in intron 2 of the IL12B gene. It does not directly change the encoded amino acid sequence of the IL12B protein. It affects a nucleotide within the consensus splice site. This variant is not present in population databases (gnomAD no frequency). This variant has not been reported in the literature in individuals affected with IL12B-related conditions. ClinVar contains an entry for this variant (Variation ID: 2415842). Variants that disrupt the consensus splice site are a relatively common cause of aberrant splicing (PMID: 17576681, 9536098). Algorithms developed to predict the effect of sequence changes on RNA splicing suggest that this variant is not likely to affect RNA splicing. In summary, the available evidence is currently insufficient to determine the role of this variant in disease. Therefore, it has been classified as a Variant of Uncertain Significance.

Literature cited by the submitters: PubMed 17576681; PubMed 9536098.